The following is an entry in ClinVar:

NM_005422.4(TECTA):c.2421A>C (p.Glu807Asp)

Genes: TBCEL-TECTA (TBCEL-TECTA readthrough; plus strand), TECTA (tectorin alpha; plus strand), LOC126861365 (P300/CBP strongly-dependent group 1 enhancer GRCh37_chr11:121000154-121001353; plus strand). Cytogenetic location: 11q23.3.
Variant type: single nucleotide variant.
Coding change: c.2421A>C on transcript NM_005422.4 (MANE Select); coding-DNA position 2421, A replaced by C.
Protein change: p.Glu807Asp; replaces glutamic acid 807 with aspartic acid.
Molecular consequence: missense variant.
Genome position (GRCh38, 1-based): chr11:121,129,691, A>C. VCF-style: chr11-121129691-A-C. GRCh37 (hg19) VCF-style: chr11-121000400-A-C.
Other names: c.3378A>C, p.Glu1126Asp (NM_001378761.1); short protein forms E1126D, E807D.
Identifiers: ClinVar variation 2972195 (VCV002972195.3), dbSNP rs574165772, ClinGen allele CA229815591.
Genomic context (GRCh38, chr11:121,129,691, plus strand): 5'-TTTTCAGTTGAATGGTCAGGAAGTGGAATTGCCTTTTTTCCATCCTTCGGGGAAGCTGGA[A>C]ATTTATCGAAACAAAAACAGTACGACAGTGGAGTCCAAGGGCGTGGTGACTGTCCAGTAC-3'
Protein context (NP_005413.2, residues 797-817): LPFFHPSGKL[Glu807Asp]IYRNKNSTTV

ClinVar aggregate classification (germline): Uncertain significance (1 of 4 stars; one submission).

Allele frequency attached by ClinVar (database versions not stated): gnomAD 0.00001; 1000 Genomes Project 30x 0.00016; 1000 Genomes Project 0.00020.
gnomAD v4.1: 2 of 1,614,192 alleles (0.00012%); highest among the groups gnomAD compares: East Asian, 0.0045%; no homozygotes.

Submission:

Labcorp Genetics (formerly Invitae), Labcorp
Classification: Uncertain significance. Last evaluated: 2023-05-06. Review status: criteria provided, single submitter. Criteria: Invitae Variant Classification Sherloc (09022015). Collection method: clinical testing. Allele origin: germline.
Comment: In summary, the available evidence is currently insufficient to determine the role of this variant in disease. Therefore, it has been classified as a Variant of Uncertain Significance. Advanced modeling of protein sequence and biophysical properties (such as structural, functional, and spatial information, amino acid conservation, physicochemical variation, residue mobility, and thermodynamic stability) performed at Invitae indicates that this missense variant is not expected to disrupt TECTA protein function. This variant has not been reported in the literature in individuals affected with TECTA-related conditions. This variant is not present in population databases (gnomAD no frequency). This sequence change replaces glutamic acid, which is acidic and polar, with aspartic acid, which is acidic and polar, at codon 807 of the TECTA protein (p.Glu807Asp).